The following is an entry in ClinVar:

NM_024529.5(CDC73):c.1155-165A>G

Gene: CDC73 (cell division cycle 73; plus strand). Cytogenetic location: 1q31.2.
Variant type: single nucleotide variant.
Coding change: c.1155-165A>G on transcript NM_024529.5 (MANE Select); 165 bases into the intron before coding-DNA position 1155, A replaced by G.
Molecular consequence: intron variant.
Genome position (GRCh38, 1-based): chr1:193,232,828, A>G. VCF-style: chr1-193232828-A-G. GRCh37 (hg19) VCF-style: chr1-193201958-A-G.
Identifiers: ClinVar variation 677563 (VCV000677563.2), dbSNP rs150246947, ClinGen allele CA35101330.
Genomic context (GRCh38, chr1:193,232,828, plus strand): 5'-TGGCGGTCACCTGTAATCTCAGCAACTTGGGAGGCTGAGGCAGGAGAATCGCTTGAAACC[A>G]GAAGGTGGAGGTTGCAGTGAGCCAAGATTGCACCACTGCACTCTAGCCTGGGCAATAAGA-3'

ClinVar aggregate classification (germline): Likely benign. Review status: criteria provided, multiple submitters, no conflicts (2 of 4 stars). 2 submissions from 2 submitters: Likely benign (2). Last evaluated 2018-06-17.

Allele frequency attached by ClinVar (database versions not stated): gnomAD 0.01151 and 0.01227; TOPMed 0.01186; 1000 Genomes Project 0.01258; 1000 Genomes Project 30x 0.01312.
gnomAD v4.1: 1,857 of 152,138 alleles (1.2%); highest among the groups gnomAD compares: South Asian, 3.4%; 19 homozygotes.

Submissions (2):

GeneDx
Classification: Likely benign. Last evaluated: 2018-06-17. Review status: criteria provided, single submitter. Criteria: GeneDx Variant Classification (06012015). Collection method: clinical testing. Allele origin: germline. Affected: yes.
Comment: This variant is considered likely benign or benign based on one or more of the following criteria: it is a conservative change, it occurs at a poorly conserved position in the protein, it is predicted to be benign by multiple in silico algorithms, and/or has population frequency not consistent with disease.

Breakthrough Genomics
Classification: Likely benign. Review status: criteria provided, single submitter. Criteria: ACMG Guidelines, 2015. Collection method: not provided. Allele origin: germline. Inheritance: Autosomal dominant inheritance. Affected: yes.